The following is an entry in ClinVar:

NM_016013.4(NDUFAF1):c.553A>G (p.Met185Val)

Gene: NDUFAF1 (NADH:ubiquinone oxidoreductase complex assembly factor 1; minus strand). Cytogenetic location: 15q15.1.
Variant type: single nucleotide variant.
Coding change: c.553A>G on transcript NM_016013.4 (MANE Select); coding-DNA position 553, A replaced by G.
Protein change: p.Met185Val; replaces methionine 185 with valine.
Molecular consequence: missense variant. On other transcripts: non-coding transcript variant (1).
Genome position (GRCh38, 1-based): chr15:41,396,507, T>C on the plus strand (A>G on the coding strand, the complement: NDUFAF1 is on the minus strand). VCF-style: chr15-41396507-T-C. GRCh37 (hg19) VCF-style: chr15-41688705-T-C.
Other names: p.M185V:ATG>GTG; short protein forms M185V.
Identifiers: ClinVar variation 214731 (VCV000214731.7), dbSNP rs372385045, ClinGen allele CA324955.

ClinVar aggregate classification (germline): Uncertain significance. Review status: criteria provided, multiple submitters, no conflicts (2 of 4 stars). 3 submissions from 3 submitters: Uncertain significance (3). Last evaluated 2025-06-01.

Conditions:
Mitochondrial complex I deficiency, nuclear type 1. Also called: NADH-COENZYME Q REDUCTASE DEFICIENCY; MITOCHONDRIAL NADH DEHYDROGENASE COMPONENT OF COMPLEX I, DEFICIENCY OF. Identifiers: MedGen C6022305, MONDO:0100224, OMIM 252010.

Allele frequency attached by ClinVar (database versions not stated): gnomAD 0.00002 and 0.00003; gnomAD exomes 0.00002 and 0.00003; TOPMed 0.00002; ExAC 0.00003; ESP Exome Variant Server 0.00015; 1000 Genomes Project 30x 0.00016; 1000 Genomes Project 0.00020.

Submissions (3):

GeneDx
Classification: Uncertain significance. Last evaluated: 2025-06-01. Review status: criteria provided, single submitter. Criteria: GeneDx Variant Classification Process June 2021. Collection method: clinical testing. Allele origin: germline. Affected: yes.
Comment: Not observed at significant frequency in large population cohorts (gnomAD); In silico analysis suggests that this missense variant does not alter protein structure/function; Has not been previously published as pathogenic or benign to our knowledge

Ambry Genetics
Classification: Uncertain significance. Last evaluated: 2023-09-26. Review status: criteria provided, single submitter. Criteria: Ambry Variant Classification Scheme 2023. Collection method: clinical testing. Allele origin: germline.

Illumina Laboratory Services, Illumina
Classification: Uncertain significance for Mitochondrial complex I deficiency, nuclear type 1. Last evaluated: 2018-01-12. Review status: criteria provided, single submitter. Criteria: ICSL Variant Classification Criteria 13 December 2019. Collection method: clinical testing. Allele origin: germline.